The following is an entry in ClinVar:

ClinVar aggregate classification (germline): Uncertain significance (1 of 4 stars; one submission).

Submission:

GeneDx
Classification: Uncertain significance. Last evaluated: 2022-06-07. Review status: criteria provided, single submitter. Criteria: GeneDx Variant Classification Process June 2021. Collection method: clinical testing. Allele origin: germline. Affected: yes.
Comment: Not observed at significant frequency in large population cohorts (gnomAD); In silico analysis supports that this variant does not alter splicing; Nucleotide substitution has no predicted effect on splicing and is not conserved across species; Has not been previously published as pathogenic or benign to our knowledge

NM_018896.5(CACNA1G):c.1924+3G>A

Gene: CACNA1G (calcium voltage-gated channel subunit alpha1 G; plus strand). Cytogenetic location: 17q21.33.
Variant type: single nucleotide variant.
Coding change: c.1924+3G>A on transcript NM_018896.5 (MANE Select); 3 bases into the intron after coding-DNA position 1924, G replaced by A.
Molecular consequence: intron variant.
Genome position (GRCh38, 1-based): chr17:50,576,329, G>A. VCF-style: chr17-50576329-G-A. GRCh37 (hg19) VCF-style: chr17-48653690-G-A.
Other names: c.1924+3G>A (NM_001256325.2, NM_198377.3, NM_198380.3 and 24 more transcripts).
Identifiers: ClinVar variation 1803442 (VCV001803442.1), dbSNP rs2544878220, ClinGen allele CA2580094205.